The following is an entry in ClinVar:

ClinVar aggregate classification (germline): Uncertain significance. Review status: criteria provided, multiple submitters, no conflicts (2 of 4 stars). 2 submissions from 2 submitters: Uncertain significance (2). Last evaluated 2025-11-24.

Conditions:
Inborn genetic diseases. Identifiers: MedGen C0950123, MeSH D030342.
Aortic valve disease 2 (AOVD2). Identifiers: MedGen C3542024, MONDO:0013902, OMIM 614823.

Allele frequency attached by ClinVar (database versions not stated): gnomAD exomes below 0.00001; gnomAD 0.00001; TOPMed 0.00002.
gnomAD v4.1: 8 of 1,475,700 alleles (0.00054%); highest among the groups gnomAD compares: Admixed American, 0.017%; no homozygotes.

Submissions (2):

Labcorp Genetics (formerly Invitae), Labcorp
Classification: Uncertain significance for Aortic valve disease 2. Last evaluated: 2025-11-24. Review status: criteria provided, single submitter. Criteria: Invitae Variant Classification Sherloc (09022015). Collection method: clinical testing. Allele origin: germline.
Comment: This sequence change replaces glutamic acid, which is acidic and polar, with glycine, which is neutral and non-polar, at codon 35 of the SMAD6 protein (p.Glu35Gly). This variant is present in population databases (rs770119498, gnomAD 0.04%). This variant has not been reported in the literature in individuals affected with SMAD6-related conditions. ClinVar contains an entry for this variant (Variation ID: 1776502). An algorithm developed to predict the effect of missense changes on protein structure and function (PolyPhen-2) suggests that this variant is likely to be tolerated. In summary, the available evidence is currently insufficient to determine the role of this variant in disease. Therefore, it has been classified as a Variant of Uncertain Significance.

Ambry Genetics
Classification: Uncertain significance for Inborn genetic diseases. Last evaluated: 2022-10-07. Review status: criteria provided, single submitter. Criteria: Ambry Variant Classification Scheme 2023. Collection method: clinical testing. Allele origin: germline.
Comment: The p.E35G variant (also known as c.104A>G), located in coding exon 1 of the SMAD6 gene, results from an A to G substitution at nucleotide position 104. The glutamic acid at codon 35 is replaced by glycine, an amino acid with similar properties. This amino acid position is conserved. In addition, this alteration is predicted to be tolerated by in silico analysis. Since supporting evidence is limited at this time, the clinical significance of this alteration remains unclear.

NM_005585.5(SMAD6):c.104A>G (p.Glu35Gly)

Gene: SMAD6 (SMAD family member 6; plus strand). Cytogenetic location: 15q22.31.
Variant type: single nucleotide variant.
Coding change: c.104A>G on transcript NM_005585.5 (MANE Select); coding-DNA position 104, A replaced by G.
Protein change: p.Glu35Gly; replaces glutamic acid 35 with glycine.
Molecular consequence: missense variant. On other transcripts: non-coding transcript variant (1).
Genome position (GRCh38, 1-based): chr15:66,703,362, A>G. VCF-style: chr15-66703362-A-G. GRCh37 (hg19) VCF-style: chr15-66995700-A-G.
Other names: short protein forms E35G.
Identifiers: ClinVar variation 1776502 (VCV001776502.7), dbSNP rs770119498, ClinGen allele CA7626436.